The following is an entry in ClinVar:

ClinVar aggregate classification (germline): Uncertain significance. Review status: criteria provided, multiple submitters, no conflicts (2 of 4 stars). 4 submissions from 4 submitters: Uncertain significance (4). Last evaluated 2024-09-30.

Conditions:
Neonatal-onset encephalopathy with rigidity and seizures. Also called: Lethal neonatal spasticity-epileptic encephalopathy syndrome. Identifiers: Orphanet 435845, MedGen C3281029, MONDO:0013784, OMIM 614498.
Inborn genetic diseases. Identifiers: MedGen C0950123, MeSH D030342.

Allele frequency attached by ClinVar (database versions not stated): TOPMed 0.00003; ExAC 0.00004; gnomAD exomes 0.00004 and 0.00005; gnomAD 0.00005 and 0.00006.
gnomAD v4.1: 81 of 1,598,218 alleles (0.0051%); highest among the groups gnomAD compares: Non-Finnish European, 0.0064%; no homozygotes.

Submissions (4):

Labcorp Genetics (formerly Invitae), Labcorp
Classification: Uncertain significance for Neonatal-onset encephalopathy with rigidity and seizures. Last evaluated: 2024-09-30. Review status: criteria provided, single submitter. Criteria: Invitae Variant Classification Sherloc (09022015). Collection method: clinical testing. Allele origin: germline.
Comment: This sequence change replaces alanine, which is neutral and non-polar, with threonine, which is neutral and polar, at codon 627 of the BRAT1 protein (p.Ala627Thr). This variant is present in population databases (rs750400556, gnomAD 0.008%). This variant has not been reported in the literature in individuals affected with BRAT1-related conditions. ClinVar contains an entry for this variant (Variation ID: 445473). Invitae Evidence Modeling of protein sequence and biophysical properties (such as structural, functional, and spatial information, amino acid conservation, physicochemical variation, residue mobility, and thermodynamic stability) indicates that this missense variant is not expected to disrupt BRAT1 protein function with a negative predictive value of 80%. In summary, the available evidence is currently insufficient to determine the role of this variant in disease. Therefore, it has been classified as a Variant of Uncertain Significance.

Ambry Genetics
Classification: Uncertain significance for Inborn genetic diseases. Last evaluated: 2023-08-02. Review status: criteria provided, single submitter. Criteria: Ambry Variant Classification Scheme 2023. Collection method: clinical testing. Allele origin: germline.

GeneDx
Classification: Uncertain significance. Last evaluated: 2023-06-06. Review status: criteria provided, single submitter. Criteria: GeneDx Variant Classification Process June 2021. Collection method: clinical testing. Allele origin: germline. Affected: yes.
Comment: Not observed at significant frequency in large population cohorts (gnomAD); In silico analysis supports that this missense variant does not alter protein structure/function; Has not been previously published as pathogenic or benign to our knowledge

Center for Pediatric Genomic Medicine, Children's Mercy Hospital and Clinics
Classification: Uncertain significance. Last evaluated: 2017-09-11. Review status: criteria provided, single submitter. Criteria: ACMG Guidelines, 2015. Collection method: clinical testing. Allele origin: germline.

NM_152743.4(BRAT1):c.1879G>A (p.Ala627Thr)

Gene: BRAT1 (BRCA1 associated ATM activator 1; minus strand). Cytogenetic location: 7p22.3.
Variant type: single nucleotide variant.
Coding change: c.1879G>A on transcript NM_152743.4 (MANE Select); coding-DNA position 1879, G replaced by A.
Protein change: p.Ala627Thr; replaces alanine 627 with threonine.
Molecular consequence: missense variant. On other transcripts: non-coding transcript variant (1).
Genome position (GRCh38, 1-based): chr7:2,538,656, C>T on the plus strand (G>A on the coding strand, the complement: BRAT1 is on the minus strand). VCF-style: chr7-2538656-C-T. GRCh37 (hg19) VCF-style: chr7-2578290-C-T.
Other names: c.2059G>A, p.Ala687Thr (NM_001350626.2); c.1354G>A, p.Ala452Thr (NM_001350627.2); short protein forms A627T, A452T, A687T.
Identifiers: ClinVar variation 445473 (VCV000445473.8), dbSNP rs750400556, ClinGen allele CA4127528.